The following is an entry in ClinVar:

NM_005188.4(CBL):c.2522A>G (p.Gln841Arg)

Gene: CBL (Cbl proto-oncogene; plus strand). Cytogenetic location: 11q23.3.
Variant type: single nucleotide variant.
Coding change: c.2522A>G on transcript NM_005188.4 (MANE Select); coding-DNA position 2522, A replaced by G.
Protein change: p.Gln841Arg; replaces glutamine 841 with arginine.
Molecular consequence: missense variant.
Genome position (GRCh38, 1-based): chr11:119,299,582, A>G. VCF-style: chr11-119299582-A-G. GRCh37 (hg19) VCF-style: chr11-119170292-A-G.
Other names: short protein forms Q841R.
Identifiers: ClinVar variation 4800627 (VCV004800627.1).

ClinVar aggregate classification (germline): Uncertain significance (1 of 4 stars; one submission).

Conditions:
RASopathy. Also called: rasopathies; Noonan spectrum disorder. Identifiers: Orphanet 536391, MedGen C5555857, MONDO:0021060.

Submission:

Labcorp Genetics (formerly Invitae), Labcorp
Classification: Uncertain significance for RASopathy. Last evaluated: 2025-09-15. Review status: criteria provided, single submitter. Criteria: Invitae Variant Classification Sherloc (09022015). Collection method: clinical testing. Allele origin: germline.
Comment: This sequence change replaces glutamine, which is neutral and polar, with arginine, which is basic and polar, at codon 841 of the CBL protein (p.Gln841Arg). This variant is not present in population databases (gnomAD no frequency). This variant has not been reported in the literature in individuals affected with CBL-related conditions. Invitae Evidence Modeling of protein sequence and biophysical properties (such as structural, functional, and spatial information, amino acid conservation, physicochemical variation, residue mobility, and thermodynamic stability) indicates that this missense variant is not expected to disrupt CBL protein function with a negative predictive value of 95%. In summary, the available evidence is currently insufficient to determine the role of this variant in disease. Therefore, it has been classified as a Variant of Uncertain Significance.